The following is an entry in ClinVar:

NM_012330.4(KAT6B):c.2615T>G (p.Phe872Cys)

Gene: KAT6B (lysine acetyltransferase 6B; plus strand). Cytogenetic location: 10q22.2.
Variant type: single nucleotide variant.
Coding change: c.2615T>G on transcript NM_012330.4 (MANE Select); coding-DNA position 2615, T replaced by G.
Protein change: p.Phe872Cys; replaces phenylalanine 872 with cysteine.
Molecular consequence: missense variant.
Genome position (GRCh38, 1-based): chr10:74,989,098, T>G. VCF-style: chr10-74989098-T-G. GRCh37 (hg19) VCF-style: chr10-76748856-T-G.
Other names: c.2066T>G, p.Phe689Cys (NM_001256468.2, NM_001370138.1); c.2615T>G, p.Phe872Cys (NM_001370136.1, NM_001370137.1); c.1739T>G, p.Phe580Cys (NM_001370139.1, NM_001370140.1, NM_001370141.1 and 2 more transcripts); c.1550T>G, p.Phe517Cys (NM_001370143.1, NM_001370144.1); c.1577T>G, p.Phe526Cys (NM_001370132.1); c.926T>G, p.Phe309Cys (NM_001370133.1); c.530T>G, p.Phe177Cys (NM_001370134.1); c.272T>G, p.Phe91Cys (NM_001370135.1); short protein forms F580C, F689C, F872C, F177C, F309C, F526C, F517C, F91C.
Identifiers: ClinVar variation 2988584 (VCV002988584.3), dbSNP rs2549028404, ClinGen allele CA377294700.

ClinVar aggregate classification (germline): Uncertain significance (1 of 4 stars; one submission).

Conditions:
Genitopatellar syndrome (GTPTS). Also called: ABSENT PATELLAE, SCROTAL HYPOPLASIA, RENAL ANOMALIES, FACIAL DYSMORPHISM, AND MENTAL RETARDATION; Genitopatellar syndrome (GPS). Identifiers: Orphanet 85201, MedGen C1853566, MONDO:0011640, OMIM 606170.

Submission:

Labcorp Genetics (formerly Invitae), Labcorp
Classification: Uncertain significance for Genitopatellar syndrome. Last evaluated: 2023-06-03. Review status: criteria provided, single submitter. Criteria: Invitae Variant Classification Sherloc (09022015). Collection method: clinical testing. Allele origin: germline.
Comment: This sequence change replaces phenylalanine, which is neutral and non-polar, with cysteine, which is neutral and slightly polar, at codon 872 of the KAT6B protein (p.Phe872Cys). This variant is not present in population databases (gnomAD no frequency). This variant has not been reported in the literature in individuals affected with KAT6B-related conditions. Advanced modeling of protein sequence and biophysical properties (such as structural, functional, and spatial information, amino acid conservation, physicochemical variation, residue mobility, and thermodynamic stability) has been performed at Invitae for this missense variant, however the output from this modeling did not meet the statistical confidence thresholds required to predict the impact of this variant on KAT6B protein function. In summary, the available evidence is currently insufficient to determine the role of this variant in disease. Therefore, it has been classified as a Variant of Uncertain Significance.